The following is an entry in ClinVar:

ClinVar aggregate classification (germline): Conflicting classifications of pathogenicity. Review status: criteria provided, conflicting classifications (1 of 4 stars). 3 submissions from 3 submitters: Uncertain significance (2); Likely benign (1). Last evaluated 2024-11-29.

Conditions:
Cortical dysplasia-focal epilepsy syndrome (PTHSL1). Also called: Pitt-Hopkins-like syndrome 1. Identifiers: Orphanet 163681, Orphanet 221150, MedGen C2750246, MONDO:0012400, OMIM 610042.

Allele frequency attached by ClinVar (database versions not stated): gnomAD exomes 0.00001; TOPMed 0.00011; ESP Exome Variant Server 0.00015; gnomAD 0.00019.
gnomAD v4.1: 26 of 1,613,208 alleles (0.0016%); highest among the groups gnomAD compares: African/African-American, 0.032%; no homozygotes.

Submissions (3):

Women's Health and Genetics/Laboratory Corporation of America, LabCorp
Classification: Uncertain significance. Last evaluated: 2024-11-29. Review status: criteria provided, single submitter. Criteria: LabCorp Variant Classification Summary - May 2015. Collection method: clinical testing. Allele origin: germline.
Comment: Variant summary: CNTNAP2 c.3010+5G>A alters a non-conserved nucleotide located close to a canonical splice site and therefore could affect mRNA splicing, leading to a significantly altered protein sequence. Consensus agreement among computation tools predict no significant impact on normal splicing. However, these predictions have yet to be confirmed by functional studies. The variant allele was found at a frequency of 2.4e-05 in 251192 control chromosomes. The available data on variant occurrences in the general population are insufficient to allow any conclusion about variant significance. To our knowledge, no occurrence of c.3010+5G>A in individuals affected with Autism, Susceptibility To, 15 and no experimental evidence demonstrating its impact on protein function have been reported. ClinVar contains an entry for this variant (Variation ID: 379066). Based on the evidence outlined above, the variant was classified as uncertain significance.

Labcorp Genetics (formerly Invitae), Labcorp
Classification: Uncertain significance for Cortical dysplasia-focal epilepsy syndrome. Last evaluated: 2022-08-15. Review status: criteria provided, single submitter. Criteria: Invitae Variant Classification Sherloc (09022015). Collection method: clinical testing. Allele origin: germline.
Comment: This sequence change falls in intron 18 of the CNTNAP2 gene. It does not directly change the encoded amino acid sequence of the CNTNAP2 protein. It affects a nucleotide within the consensus splice site. This variant is present in population databases (rs373422045, gnomAD 0.05%). This variant has not been reported in the literature in individuals affected with CNTNAP2-related conditions. ClinVar contains an entry for this variant (Variation ID: 379066). Variants that disrupt the consensus splice site are a relatively common cause of aberrant splicing (PMID: 17576681, 9536098). Algorithms developed to predict the effect of sequence changes on RNA splicing suggest that this variant is not likely to affect RNA splicing. In summary, the available evidence is currently insufficient to determine the role of this variant in disease. Therefore, it has been classified as a Variant of Uncertain Significance.

GeneDx
Classification: Likely benign. Last evaluated: 2019-07-25. Review status: criteria provided, single submitter. Criteria: GeneDx Variant Classification Process June 2021. Collection method: clinical testing. Allele origin: germline. Affected: yes.

Literature cited by the submitters: PubMed 17576681 (cited by Labcorp Genetics (formerly Invitae), Labcorp); PubMed 9536098 (cited by Labcorp Genetics (formerly Invitae), Labcorp).

NM_014141.6(CNTNAP2):c.3010+5G>A

Genes: CNTNAP2 (contactin associated protein 2; plus strand), LOC126860216 (BRD4-independent group 4 enhancer GRCh37_chr7:147868766-147869965; plus strand). Cytogenetic location: 7q35.
Variant type: single nucleotide variant.
Coding change: c.3010+5G>A on transcript NM_014141.6 (MANE Select); 5 bases into the intron after coding-DNA position 3010, G replaced by A.
Molecular consequence: intron variant.
Genome position (GRCh38, 1-based): chr7:148,172,483, G>A. VCF-style: chr7-148172483-G-A. GRCh37 (hg19) VCF-style: chr7-147869575-G-A.
Identifiers: ClinVar variation 379066 (VCV000379066.10), dbSNP rs373422045, ClinGen allele CA4546515.
Genomic context (GRCh38, chr7:148,172,483, plus strand): 5'-CGGTTACTCCTGCGATTGCTCTAATACTGCATATGATGGAACATTTTGCAACAAAGGTAA[G>A]GTGGAACCCATTTCCAGAGCCACTTTTGCGTGTCTTTTTAAGCCCAAATCATCTATTTAA-3'